The following is an entry in ClinVar:

NM_021930.6(RINT1):c.634T>A (p.Phe212Ile)

Gene: RINT1 (RAD50 interactor 1; plus strand). Cytogenetic location: 7q22.3.
Variant type: single nucleotide variant.
Coding change: c.634T>A on transcript NM_021930.6 (MANE Select); coding-DNA position 634, T replaced by A.
Protein change: p.Phe212Ile; replaces phenylalanine 212 with isoleucine.
Molecular consequence: missense variant. On other transcripts: 5 prime UTR variant (2), non-coding transcript variant (1), intron variant (1).
Genome position (GRCh38, 1-based): chr7:105,547,028, T>A. VCF-style: chr7-105547028-T-A. GRCh37 (hg19) VCF-style: chr7-105187475-T-A.
Other names: c.400T>A, p.Phe134Ile (NM_001346599.2); c.-386T>A (NM_001346600.2); c.-289T>A (NM_001346601.2); c.-27-3027T>A (NM_001346603.2); short protein forms F212I, F134I.
Identifiers: ClinVar variation 1753002 (VCV001753002.2), dbSNP rs2485122990, ClinGen allele CA368805709.

ClinVar aggregate classification (germline): Uncertain significance (1 of 4 stars; one submission).

Submission:

Ambry Genetics
Classification: Uncertain significance. Last evaluated: 2022-01-31. Review status: criteria provided, single submitter. Criteria: Ambry Variant Classification Scheme 2023. Collection method: clinical testing. Allele origin: germline.
Comment: The p.F212I variant (also known as c.634T>A), located in coding exon 5 of the RINT1 gene, results from a T to A substitution at nucleotide position 634. The phenylalanine at codon 212 is replaced by isoleucine, an amino acid with highly similar properties. This amino acid position is conserved. In addition, the in silico prediction for this alteration is inconclusive. Since supporting evidence is limited at this time, the clinical significance of this alteration remains unclear.